The following is an entry in ClinVar:

ClinVar aggregate classification (germline): Uncertain significance (1 of 4 stars; one submission).

Conditions:
Inborn genetic diseases. Identifiers: MedGen C0950123, MeSH D030342.

Submission:

Ambry Genetics
Classification: Uncertain significance for Inborn genetic diseases. Last evaluated: 2025-05-27. Review status: criteria provided, single submitter. Criteria: Ambry Variant Classification Scheme 2023. Collection method: clinical testing. Allele origin: germline.
Comment: The p.Q425P variant (also known as c.1274A>C), located in coding exon 7 of the ERCC6L2 gene, results from an A to C substitution at nucleotide position 1274. The glutamine at codon 425 is replaced by proline, an amino acid with similar properties. This amino acid position is conserved. In addition, this alteration is predicted to be tolerated by in silico analysis. Based on the available evidence, the clinical significance of this variant remains unclear.

NM_020207.7(ERCC6L2):c.1274A>C (p.Gln425Pro)

Gene: ERCC6L2 (ERCC excision repair 6 like 2; plus strand). Cytogenetic location: 9q22.32.
Variant type: single nucleotide variant.
Coding change: c.1274A>C on transcript NM_020207.7 (MANE Select); coding-DNA position 1274, A replaced by C.
Protein change: p.Gln425Pro; replaces glutamine 425 with proline.
Molecular consequence: missense variant. On other transcripts: non-coding transcript variant (1).
Genome position (GRCh38, 1-based): chr9:95,921,290, A>C. VCF-style: chr9-95921290-A-C. GRCh37 (hg19) VCF-style: chr9-98683572-A-C.
Other names: c.1274A>C, p.Gln425Pro (NM_001010895.4, NM_001375291.1, NM_001375292.1 and 2 more transcripts); short protein forms Q425P.
Identifiers: ClinVar variation 4019386 (VCV004019386.1).